The following is an entry in ClinVar:

ClinVar aggregate classification (germline): Uncertain significance (1 of 4 stars; one submission).

gnomAD v4.1: 6 of 1,613,328 alleles (0.00037%); highest among the groups gnomAD compares: Non-Finnish European, 0.00042%; no homozygotes.

Submission:

GeneDx
Classification: Uncertain significance. Last evaluated: 2024-10-04. Review status: criteria provided, single submitter. Criteria: GeneDx Variant Classification Process June 2021. Collection method: clinical testing. Allele origin: germline. Affected: yes.
Comment: Not observed at significant frequency in large population cohorts (gnomAD); In silico analysis supports that this missense variant has a deleterious effect on protein structure/function; Has not been previously published as pathogenic or benign to our knowledge

NM_001220.5(CAMK2B):c.1852G>A (p.Ala618Thr)

Gene: CAMK2B (calcium/calmodulin dependent protein kinase II beta; minus strand). Cytogenetic location: 7p13.
Variant type: single nucleotide variant.
Coding change: c.1852G>A on transcript NM_001220.5 (MANE Select); coding-DNA position 1852, G replaced by A.
Protein change: p.Ala618Thr; replaces alanine 618 with threonine.
Molecular consequence: missense variant.
Genome position (GRCh38, 1-based): chr7:44,220,211, C>T on the plus strand (G>A on the coding strand, the complement: CAMK2B is on the minus strand). VCF-style: chr7-44220211-C-T. GRCh37 (hg19) VCF-style: chr7-44259810-C-T.
Other names: c.1480G>A, p.Ala494Thr (NM_001293170.2, NM_172078.3); c.1408G>A, p.Ala470Thr (NM_172079.3); c.1405G>A, p.Ala469Thr (NM_172080.3); c.1363G>A, p.Ala455Thr (NM_172081.3); c.1330G>A, p.Ala444Thr (NM_172082.3); c.1291G>A, p.Ala431Thr (NM_172083.3); c.1201G>A, p.Ala401Thr (NM_172084.3); short protein forms A401T, A431T, A444T, A455T, A469T, A470T, A494T, A618T.
Identifiers: ClinVar variation 3776690 (VCV003776690.1).
Genomic context (GRCh38, chr7:44,220,211, plus strand): 5'-CAGACTGGCTGGTGCGGGGCCGGCCCTGCCCGTCAATGTACTGCGTGAGCCGGATGTAAG[C>T]GATGCAGGCGGCATCCTCTCCAATGACGTGCACGTGTGGGTTCAGGATGGTCGTGTGGAT-3'
Protein context (NP_001211.3, residues 608-628): HVIGEDAACI[Ala618Thr]YIRLTQYIDG